The following is an entry in ClinVar:

NM_006982.3(ALX1):c.152A>C (p.Gln51Pro)

Genes: ALX1 (ALX homeobox 1; plus strand), LOC124629423 (Sharpr-MPRA regulatory region 79; plus strand). Cytogenetic location: 12q21.31.
Variant type: single nucleotide variant.
Coding change: c.152A>C on transcript NM_006982.3 (MANE Select); coding-DNA position 152, A replaced by C.
Protein change: p.Gln51Pro; replaces glutamine 51 with proline.
Molecular consequence: missense variant.
Genome position (GRCh38, 1-based): chr12:85,280,413, A>C. VCF-style: chr12-85280413-A-C. GRCh37 (hg19) VCF-style: chr12-85674191-A-C.
Other names: short protein forms Q51P.
Identifiers: ClinVar variation 4755103 (VCV004755103.1).
Genomic context (GRCh38, chr12:85,280,413, plus strand): 5'-TTATGGAGACGCTGGACAATGAGTCCTTTTACAGCAAAGCGTCTGCAGGCAAATGCGTGC[A>C]GGCCTTCGGACCCCTGCCCCGCGCCGAGCATCACGTGCGCTTGGAGAGGACCTCGCCCTG-3'
Protein context (NP_008913.2, residues 41-61): YSKASAGKCV[Gln51Pro]AFGPLPRAEH

ClinVar aggregate classification (germline): Uncertain significance (1 of 4 stars; one submission).

Submission:

Labcorp Genetics (formerly Invitae), Labcorp
Classification: Uncertain significance. Last evaluated: 2025-06-24. Review status: criteria provided, single submitter. Criteria: Invitae Variant Classification Sherloc (09022015). Collection method: clinical testing. Allele origin: germline.
Comment: This sequence change replaces glutamine, which is neutral and polar, with proline, which is neutral and non-polar, at codon 51 of the ALX1 protein (p.Gln51Pro). This variant is present in population databases (rs748172443, gnomAD 0.09%). This variant has not been reported in the literature in individuals affected with ALX1-related conditions. An algorithm developed to predict the effect of missense changes on protein structure and function (PolyPhen-2) suggests that this variant is likely to be tolerated. In summary, the available evidence is currently insufficient to determine the role of this variant in disease. Therefore, it has been classified as a Variant of Uncertain Significance.